The following is an entry in ClinVar:

NM_003742.4(ABCB11):c.2104C>T (p.Gln702Ter)

Gene: ABCB11 (ATP binding cassette subfamily B member 11; minus strand). Cytogenetic location: 2q31.1.
Variant type: single nucleotide variant.
Coding change: c.2104C>T on transcript NM_003742.4 (MANE Select); coding-DNA position 2104, C replaced by T.
Protein change: p.Gln702Ter; replaces glutamine 702 with a stop codon.
Molecular consequence: nonsense.
Genome position (GRCh38, 1-based): chr2:168,964,280, G>A on the plus strand (C>T on the coding strand, the complement: ABCB11 is on the minus strand). VCF-style: chr2-168964280-G-A. GRCh37 (hg19) VCF-style: chr2-169820790-G-A.
Other names: NM_003742.4:c.2104C>T; short protein forms Q702*.
Identifiers: ClinVar variation 3776855 (VCV003776855.3).

ClinVar aggregate classification (germline): Pathogenic/Likely pathogenic. Review status: criteria provided, multiple submitters, no conflicts (2 of 4 stars). 3 submissions from 3 submitters: Pathogenic (1); Likely pathogenic (2). Last evaluated 2026-04-14.

Conditions:
Progressive familial intrahepatic cholestasis type 2. Identifiers: Orphanet 79304, MedGen C3489789, MONDO:0011156, OMIM 601847.
Familial intrahepatic cholestasis. Identifiers: Orphanet 284385, MedGen CN296401, MONDO:0017290.

Submissions (3):

Genomenon, Inc
Classification: Pathogenic for Familial intrahepatic cholestasis. Last evaluated: 2026-04-14. Review status: criteria provided, single submitter. Criteria: Genomenon Sequence Variant Interpretation Standards - Updated. Collection method: curation. Allele origin: germline. Affected: yes.
Comment: ABCB11 p.Gln702Ter (c.2104C>T) is a nonsense variant that introduces a premature stop codon at amino acid position 702, creating a truncated protein that is predicted to undergo nonsense-mediated mRNA decay. This variant has been observed in at least one proband with an ABCB11-related disorder (PMID:19845854). It is absent or not present at a significant frequency in gnomAD. In conclusion, we classify ABCB11 p.Gln702Ter (c.2104C>T) as a pathogenic variant.

Broad Center for Mendelian Genomics, Broad Institute of MIT and Harvard
Classification: Likely pathogenic for Progressive familial intrahepatic cholestasis type 2. Last evaluated: 2025-01-24. Review status: criteria provided, single submitter. Criteria: ACMG Guidelines, 2015. Collection method: curation. Allele origin: germline. Inheritance: Autosomal recessive inheritance.
Comment: The p.Gln702Ter variant in ABCB11 has been reported in one individual with BSEP deficiency (PMID: 19845854), and has been identified in 0.001% (1/74098) of African/African American chromosomes by the Genome Aggregation Database (gnomAD; dbSNP rs1371940395). Although this variant has been seen in the general population in a heterozygous state, its frequency is low enough to be consistent with a recessive carrier frequency. This nonsense variant leads to a premature termination codon at position 702, which is predicted to lead to a truncated or absent protein. Loss of function of the ABCB11 gene is an established disease mechanism in autosomal recessive BSEP deficiency. In summary, although additional studies are required to fully establish its clinical significance, this variant is likely pathogenic for autosomal recessive BSEP deficiency. ACMG/AMP Criteria applied: PVS1, PM2_supporting (Richards 2015).

Natera, Inc.
Classification: Likely pathogenic for Progressive familial intrahepatic cholestasis type 2. Last evaluated: 2024-04-15. Review status: criteria provided, single submitter. Criteria: Natera Variant Classification Schema (03/2026). Collection method: clinical testing. Allele origin: germline.
Comment: The c.2104C>T variant in ABCB11 is a nonsense variant predicted to introduce a stop codon at amino acid 702. This variant is expected to result in nonsense mediated decay, truncation, or a dysfunctional protein product. This variant is rare in the general population with a frequency below the threshold expected for the associated phenotype(s). Given the available evidence, this variant is classified as Likely Pathogenic.

Literature cited by the submitters: PubMed 19845854 (cited by Genomenon, Inc).